The following is an entry in ClinVar:

ClinVar aggregate classification (germline): Uncertain significance (1 of 4 stars; one submission).

Conditions:
Multiple endocrine neoplasia, type 1 (MEN1). Also called: MEN I; WERMER SYNDROME; Endocrine adenomatosis multiple; MEN 1; MEA I. Identifiers: Orphanet 652, MedGen C0025267, MeSH D018761, MONDO:0007540, OMIM 131100.

Submission:

Labcorp Genetics (formerly Invitae), Labcorp
Classification: Uncertain significance for Multiple endocrine neoplasia, type 1. Last evaluated: 2019-02-06. Review status: criteria provided, single submitter. Criteria: Invitae Variant Classification Sherloc (09022015). Collection method: clinical testing. Allele origin: germline.
Comment: This sequence change replaces leucine with proline at codon 22 of the MEN1 protein (p.Leu22Pro). The leucine residue is highly conserved and there is a moderate physicochemical difference between leucine and proline. This variant is not present in population databases (ExAC no frequency). This variant has been reported in individuals in the Universal Mutation Database (PMID: 12112656). This variant has been reported to affect MEN1 protein function (PMID:21819486). In summary, the available evidence is currently insufficient to determine the role of this variant in disease. Therefore, it has been classified as a Variant of Uncertain Significance.

Literature cited by the submitters: PubMed 12112656; PubMed 21819486.

NM_001370259.2(MEN1):c.65T>C (p.Leu22Pro)

Gene: MEN1 (menin 1; minus strand). Cytogenetic location: 11q13.1.
Variant type: single nucleotide variant.
Coding change: c.65T>C on transcript NM_001370259.2 (MANE Select); coding-DNA position 65, T replaced by C.
Protein change: p.Leu22Pro; replaces leucine 22 with proline.
Molecular consequence: missense variant.
Genome position (GRCh38, 1-based): chr11:64,810,045, A>G on the plus strand (T>C on the coding strand, the complement: MEN1 is on the minus strand). VCF-style: chr11-64810045-A-G. GRCh37 (hg19) VCF-style: chr11-64577517-A-G.
Other names: c.65T>C, p.Leu22Pro (NM_000244.4, NM_001370251.2, NM_001370260.2 and 9 more transcripts); short protein forms L22P.
Identifiers: ClinVar variation 850767 (VCV000850767.9), dbSNP rs104894256, ClinGen allele CA381188100.
Genomic context (GRCh38, chr11:64,810,045, plus strand): 5'-CCCAGCACCAAGGAAAGGAGCACCAGGTCCGGCTCCTCTCGGCCCAGCTCGGCAGCAAAC[A>G]GGCGCACCACGTCGTCGATGGAGCGCAGCGGGAACAGCGTCTTCTGGGCGGCCTTCAGCC-3'
Protein context (NP_001357188.2, residues 12-32): PLRSIDDVVR[Leu22Pro]FAAELGREEP